The following is an entry in ClinVar:

ClinVar aggregate classification (germline): Uncertain significance (1 of 4 stars; one submission).

Allele frequency attached by ClinVar (database versions not stated): gnomAD exomes 0.00001; ExAC 0.00002; gnomAD 0.00002; TOPMed 0.00004.
gnomAD v4.1: 13 of 1,614,026 alleles (0.00081%); highest among the groups gnomAD compares: African/African-American, 0.008%; no homozygotes.

Submission:

Labcorp Genetics (formerly Invitae), Labcorp
Classification: Uncertain significance. Last evaluated: 2022-08-09. Review status: criteria provided, single submitter. Criteria: Invitae Variant Classification Sherloc (09022015). Collection method: clinical testing. Allele origin: germline.
Comment: This sequence change replaces histidine, which is basic and polar, with arginine, which is basic and polar, at codon 208 of the HPS1 protein (p.His208Arg). This variant is present in population databases (rs746269192, gnomAD 0.01%). This variant has not been reported in the literature in individuals affected with HPS1-related conditions. Algorithms developed to predict the effect of missense changes on protein structure and function are either unavailable or do not agree on the potential impact of this missense change (SIFT: "Tolerated"; PolyPhen-2: "Probably Damaging"; Align-GVGD: "Class C0"). In summary, the available evidence is currently insufficient to determine the role of this variant in disease. Therefore, it has been classified as a Variant of Uncertain Significance.

NM_000195.5(HPS1):c.623A>G (p.His208Arg)

Gene: HPS1 (HPS1 biogenesis of lysosomal organelles complex 3 subunit 1; minus strand). Cytogenetic location: 10q24.2.
Variant type: single nucleotide variant.
Coding change: c.623A>G on transcript NM_000195.5 (MANE Select); coding-DNA position 623, A replaced by G.
Protein change: p.His208Arg; replaces histidine 208 with arginine.
Molecular consequence: missense variant. On other transcripts: 5 prime UTR variant (3), intron variant (5).
Genome position (GRCh38, 1-based): chr10:98,431,176, T>C on the plus strand (A>G on the coding strand, the complement: HPS1 is on the minus strand). VCF-style: chr10-98431176-T-C. GRCh37 (hg19) VCF-style: chr10-100190933-T-C.
Other names: c.-251A>G (NM_001311345.2, NM_001322489.2); c.623A>G, p.His208Arg (NM_001322476.2, NM_001322477.2, NM_001322478.2 and 3 more transcripts); c.254A>G, p.His85Arg (NM_001322483.2, NM_001322484.2, NM_001322485.2); c.-350A>G (NM_001322487.2); c.408-506A>G (NM_001322480.2, NM_001322482.2, NM_001322481.2); c.551-506A>G (NM_001322492.2, NM_001322490.2); short protein forms H208R, H85R.
Identifiers: ClinVar variation 2141176 (VCV002141176.1), dbSNP rs746269192, ClinGen allele CA5639347.
Genomic context (GRCh38, chr10:98,431,176, plus strand): 5'-AGACCTTGAGCTCACCTAGAGTAGAATGCCAGCAGCTTGGAGTGCACGAGCAGGAAGGCA[T>C]GCAGGGCCTCCTCGCCTCCCCGCTCGGGGCTGGTGTTGACAGCCTGGATGACGTGCCGCT-3'
Protein context (NP_000186.2, residues 198-218): SPERGGEEAL[His208Arg]AFLLVHSKLL